The following is an entry in ClinVar:

NM_001371986.1(UNC80):c.7022C>G (p.Ala2341Gly)

Gene: UNC80 (unc-80 homolog, NALCN channel complex subunit; plus strand). Cytogenetic location: 2q34.
Variant type: single nucleotide variant.
Coding change: c.7022C>G on transcript NM_001371986.1 (MANE Select); coding-DNA position 7022, C replaced by G.
Protein change: p.Ala2341Gly; replaces alanine 2341 with glycine.
Molecular consequence: missense variant.
Genome position (GRCh38, 1-based): chr2:209,943,486, C>G. VCF-style: chr2-209943486-C-G. GRCh37 (hg19) VCF-style: chr2-210808210-C-G.
Other names: c.6824C>G, p.Ala2275Gly (NM_032504.2); c.6809C>G, p.Ala2270Gly (NM_182587.4); short protein forms A2270G, A2275G, A2341G.
Identifiers: ClinVar variation 2120363 (VCV002120363.3), dbSNP rs1319386090, ClinGen allele CA350773583.

ClinVar aggregate classification (germline): Uncertain significance (1 of 4 stars; one submission).

Allele frequency attached by ClinVar (database versions not stated): gnomAD exomes 0.00001; TOPMed 0.00001.
gnomAD v4.1: 14 of 1,551,764 alleles (0.0009%); highest among the groups gnomAD compares: Non-Finnish European, 0.0011%; no homozygotes.

Submission:

Labcorp Genetics (formerly Invitae), Labcorp
Classification: Uncertain significance. Last evaluated: 2022-08-21. Review status: criteria provided, single submitter. Criteria: Invitae Variant Classification Sherloc (09022015). Collection method: clinical testing. Allele origin: germline.
Comment: In summary, the available evidence is currently insufficient to determine the role of this variant in disease. Therefore, it has been classified as a Variant of Uncertain Significance. Algorithms developed to predict the effect of missense changes on protein structure and function are either unavailable or do not agree on the potential impact of this missense change (SIFT: "Not Available"; PolyPhen-2: "Probably Damaging"; Align-GVGD: "Not Available"). This variant has not been reported in the literature in individuals affected with UNC80-related conditions. This variant is not present in population databases (gnomAD no frequency). This sequence change replaces alanine, which is neutral and non-polar, with glycine, which is neutral and non-polar, at codon 2275 of the UNC80 protein (p.Ala2275Gly).